The following is an entry in ClinVar:

NM_003072.5(SMARCA4):c.3480dup (p.Leu1161fs)

Gene: SMARCA4 (SWI/SNF related BAF chromatin remodeling complex subunit ATPase 4; plus strand). Cytogenetic location: 19p13.2.
Variant type: Duplication.
Coding change: c.3480dup on transcript NM_003072.5 (MANE Select); coding-DNA position 3480, one base duplicated (G; older notation c.3480dupG).
Protein change: p.Leu1161fs; shifts the reading frame from leucine 1161.
Molecular consequence: frameshift variant. On other transcripts: non-coding transcript variant (1).
Genome position (GRCh38, 1-based): chr19:11,030,827, G duplicated; the last of 6 consecutive G bases (chr19:11,030,822-11,030,827); duplicating any one gives the same sequence. VCF-style (leftmost placement, unchanged base first): chr19-11030821-T-TG. GRCh37 (hg19) VCF-style: chr19-11141497-T-TG.
Other names: c.3480dup, p.Leu1161fs (NM_001128844.3, NM_001128845.2, NM_001128846.2 and 5 more transcripts); c.3480dupG (NM_001128849.1); short protein forms L1161fs.
Identifiers: ClinVar variation 212249 (VCV000212249.9), dbSNP rs797045982, ClinGen allele CA208251.
Genomic context (GRCh38, chr19:11,030,821, plus strand): 5'-GCTGAAAACCTTCAACGAGCCCGGCTCTGAGTACTTCATCTTCCTGCTCAGCACCCGGGC[T>TG]GGGGGGCTCGGCCTGAACCTCCAGTCGGCAGACACTGTGATCATTTTTGACAGCGACTGG-3'

ClinVar aggregate classification (germline): Pathogenic. Review status: criteria provided, multiple submitters, no conflicts (2 of 4 stars). 3 submissions from 3 submitters: Pathogenic (3). Last evaluated 2024-02-16.

Conditions:
Hereditary cancer-predisposing syndrome. Also called: Tumor predisposition; Hereditary neoplastic syndrome; Neoplastic Syndromes, Hereditary; Hereditary Cancer Syndrome. Identifiers: Orphanet 140162, MedGen C0027672, MeSH D009386, MONDO:0015356.
Rhabdoid tumor predisposition syndrome 2 (RTPS2). Identifiers: Orphanet 231108, Orphanet 69077, MedGen C2750074, MONDO:0013224, OMIM 613325.

Submissions (3):

Baylor Genetics
Classification: Pathogenic for Rhabdoid tumor predisposition syndrome 2. Last evaluated: 2024-02-16. Review status: criteria provided, single submitter. Criteria: ACMG Guidelines, 2015. Collection method: clinical testing. Allele origin: unknown.

Ambry Genetics
Classification: Pathogenic for Hereditary cancer-predisposing syndrome. Last evaluated: 2023-08-24. Review status: criteria provided, single submitter. Criteria: Ambry Variant Classification Scheme 2023. Collection method: clinical testing. Allele origin: germline.
Comment: The c.3480dupG pathogenic mutation, located in coding exon 24 of the SMARCA4 gene, results from a duplication of G at nucleotide position 3480, causing a translational frameshift with a predicted alternate stop codon (p.L1161Afs*15). In a cohort of patients with small cell carcinoma of the ovary-hypercalcemic type (SCCOHT), this variant was identified in one case with reportedly non-familial SCCOHT (Witkowski L et al. Nat Genet, 2014 May;46:438-43). This variant is considered to be rare based on population cohorts in the Genome Aggregation Database (gnomAD). Loss-of-function variants in SMARCA4 are known to cause rhabdoid tumor predisposition syndrome including SCCOHT; however, such associations with neurodevelopmental disorders are exceedingly rare (Kosho T et al. Am J Med Genet C Semin Med Genet. 2014 Sep;166C(3):262-75; Jelinic P et al. Nat Genet. 2014 May;46(5):424-6). In addition to the clinical data presented in the literature, this alteration is expected to result in loss of function by premature protein truncation or nonsense-mediated mRNA decay. Based on the supporting evidence, this alteration is pathogenic for rhabdoid tumor predisposition syndrome; however, the association of this alteration with Coffin-Siris syndrome is unlikely.

Genetic Services Laboratory, University of Chicago
Classification: Pathogenic for Rhabdoid tumor predisposition syndrome 2. Last evaluated: 2014-10-26. Review status: criteria provided, single submitter. Criteria: ACMG Guidelines, 2015. Collection method: clinical testing. Allele origin: germline. Affected: yes.

Literature cited by the submitters: PubMed 24658002 (cited by Ambry Genetics).